The following is an entry in ClinVar:

NM_198129.4(LAMA3):c.5112+1G>T

Gene: LAMA3 (laminin subunit alpha 3; plus strand). Cytogenetic location: 18q11.2.
Variant type: single nucleotide variant.
Coding change: c.5112+1G>T on transcript NM_198129.4 (MANE Select); the canonical splice donor site of the intron after coding-DNA position 5112, G replaced by T.
Molecular consequence: splice donor variant.
Genome position (GRCh38, 1-based): chr18:23,876,408, G>T. VCF-style: chr18-23876408-G-T. GRCh37 (hg19) VCF-style: chr18-21456372-G-T.
Other names: c.5112+1G>T (NM_001127717.4); c.285+1G>T (NM_000227.6, NM_001127718.4).
Identifiers: ClinVar variation 371119 (VCV000371119.11), dbSNP rs1057517023, ClinGen allele CA16041928.

ClinVar aggregate classification (germline): Likely pathogenic. Review status: criteria provided, single submitter (1 of 4 stars). 2 submissions from 2 submitters: Likely pathogenic (1). 1 of the submissions does not count toward it. Last evaluated 2022-08-31.

Conditions:
Junctional epidermolysis bullosa gravis of Herlitz. Also called: Epidermolysis Bullosa Letalis; Herlitz-type junctional epidermolysis bullosa; EPIDERMOLYSIS BULLOSA, JUNCTIONAL 1B, SEVERE; EPIDERMOLYSIS BULLOSA JUNCTIONALIS, HERLITZ TYPE; EPIDERMOLYSIS BULLOSA, JUNCTIONAL, HERLITZ-PEARSON TYPE; JEB-HERLITZ TYPE. Identifiers: Orphanet 79404, MedGen C0079683, MONDO:0009182, OMIM 226700.

Submissions (2):

Labcorp Genetics (formerly Invitae), Labcorp
Classification: Likely pathogenic. Last evaluated: 2022-08-31. Review status: criteria provided, single submitter. Criteria: Invitae Variant Classification Sherloc (09022015). Collection method: clinical testing. Allele origin: germline.
Comment: Algorithms developed to predict the effect of sequence changes on RNA splicing suggest that this variant may disrupt the consensus splice site. In summary, the currently available evidence indicates that the variant is pathogenic, but additional data are needed to prove that conclusively. Therefore, this variant has been classified as Likely Pathogenic. ClinVar contains an entry for this variant (Variation ID: 371119). This variant has not been reported in the literature in individuals affected with LAMA3-related conditions. This variant is not present in population databases (gnomAD no frequency). This sequence change affects a donor splice site in intron 2 of the LAMA3 gene. It is expected to disrupt RNA splicing. Variants that disrupt the donor or acceptor splice site typically lead to a loss of protein function (PMID: 16199547), and loss-of-function variants in LAMA3 are known to be pathogenic (PMID: 10366601, 11810295, 12915477, 16473856, 17362460, 22434185, 23869449, 27827380, 28087116).

Counsyl
Classification: Likely pathogenic for Junctional epidermolysis bullosa gravis of Herlitz. Last evaluated: 2016-07-06. Review status: no assertion criteria provided. Collection method: clinical testing. Allele origin: unknown. Not counted in ClinVar's aggregate classification.

Literature cited by the submitters: PubMed 16199547 (cited by Labcorp Genetics (formerly Invitae), Labcorp); PubMed 10366601 (cited by Labcorp Genetics (formerly Invitae), Labcorp); PubMed 11810295 (cited by Labcorp Genetics (formerly Invitae), Labcorp); PubMed 12915477 (cited by Labcorp Genetics (formerly Invitae), Labcorp); PubMed 16473856 (cited by Labcorp Genetics (formerly Invitae), Labcorp); PubMed 17362460 (cited by Labcorp Genetics (formerly Invitae), Labcorp); PubMed 22434185 (cited by Labcorp Genetics (formerly Invitae), Labcorp); PubMed 23869449 (cited by Labcorp Genetics (formerly Invitae), Labcorp); PubMed 27827380 (cited by Labcorp Genetics (formerly Invitae), Labcorp); PubMed 28087116 (cited by Labcorp Genetics (formerly Invitae), Labcorp).